The following is an entry in ClinVar:

ClinVar aggregate classification (germline): Uncertain significance (1 of 4 stars; one submission).

Conditions:
Wilson disease (WND). Also called: Wilson's disease. Identifiers: Orphanet 905, MedGen C0019202, MONDO:0010200, OMIM 277900. Disease mechanism: loss of function.

Submission:

All of Us Research Program, National Institutes of Health
Classification: Uncertain significance for Wilson disease. Last evaluated: 2023-12-18. Review status: criteria provided, single submitter. Criteria: ACMG Guidelines, 2015. Collection method: clinical testing. Allele origin: germline. Inheritance: Autosomal recessive inheritance. Observed: 1 variant allele, 1 heterozygote.
Comment: This missense variant replaces glycine with arginine at codon 220 of the ATP7B protein. Computational prediction is inconclusive regarding the impact of this variant on protein structure and function (internally defined REVEL score threshold 0.5 < inconclusive < 0.7, PMID: 27666373). To our knowledge, functional studies have not been reported for this variant. This variant has not been reported in individuals affected with ATP7B-related disorders in the literature. This variant has not been identified in the general population by the Genome Aggregation Database (gnomAD). The available evidence is insufficient to determine the role of this variant in disease conclusively. Therefore, this variant is classified as a Variant of Uncertain Significance.

This study involves interpretation of variants in research participants for the purpose of population health screening. Participant phenotype was not available at the time of variant classification. Additional details can be found in publication PMID: 35346344, PMCID: PMC8962531

NM_000053.4(ATP7B):c.658G>A (p.Gly220Arg)

Gene: ATP7B (ATPase copper transporting beta; minus strand). Cytogenetic location: 13q14.3.
Variant type: single nucleotide variant.
Coding change: c.658G>A on transcript NM_000053.4 (MANE Select); coding-DNA position 658, G replaced by A.
Protein change: p.Gly220Arg; replaces glycine 220 with arginine.
Molecular consequence: missense variant.
Genome position (GRCh38, 1-based): chr13:51,974,562, C>T on the plus strand (G>A on the coding strand, the complement: ATP7B is on the minus strand). VCF-style: chr13-51974562-C-T. GRCh37 (hg19) VCF-style: chr13-52548698-C-T.
Other names: c.658G>A, p.Gly220Arg (NM_001406513.1, NM_001406514.1, NM_001406515.1 and 30 more transcripts); c.562G>A, p.Gly188Arg (NM_001406517.1, NM_001406518.1, NM_001406536.1 and 4 more transcripts); short protein forms G188R, G220R.
Identifiers: ClinVar variation 3075160 (VCV003075160.1), dbSNP rs1229196914, ClinGen allele CA388042050.